The following is an entry in ClinVar:

NM_000059.4(BRCA2):c.8200C>G (p.Pro2734Ala)

Gene: BRCA2 (BRCA2 DNA repair associated; plus strand). Cytogenetic location: 13q13.1.
Variant type: single nucleotide variant.
Coding change: c.8200C>G on transcript NM_000059.4 (MANE Select); coding-DNA position 8200, C replaced by G.
Protein change: p.Pro2734Ala; replaces proline 2734 with alanine.
Molecular consequence: missense variant.
Genome position (GRCh38, 1-based): chr13:32,363,402, C>G. VCF-style: chr13-32363402-C-G. GRCh37 (hg19) VCF-style: chr13-32937539-C-G.
Other names: short protein forms P2734A.
Identifiers: ClinVar variation 1450273 (VCV001450273.6), dbSNP rs2137581694, ClinGen allele CA387749730.

ClinVar aggregate classification (germline): Uncertain significance (1 of 4 stars; one submission).

Conditions:
Hereditary breast ovarian cancer syndrome. Also called: BRCA1- and BRCA2-Associated Hereditary Breast and Ovarian Cancer; Hereditary breast and ovarian cancer; Hereditary breast and ovarian cancer syndrome (HBOC); Hereditary breast and/or ovarian cancer syndrome; Hereditary breast and ovarian cancer syndrome; Breast and ovarian cancer. Identifiers: Orphanet 145, MedGen C0677776, MeSH D061325, MONDO:0003582. Disease mechanism: loss of function.

Submission:

Labcorp Genetics (formerly Invitae), Labcorp
Classification: Uncertain significance for Hereditary breast ovarian cancer syndrome. Last evaluated: 2024-05-06. Review status: criteria provided, single submitter. Criteria: Invitae Variant Classification Sherloc (09022015). Collection method: clinical testing. Allele origin: germline.
Comment: This sequence change replaces proline, which is neutral and non-polar, with alanine, which is neutral and non-polar, at codon 2734 of the BRCA2 protein (p.Pro2734Ala). This variant is not present in population databases (gnomAD no frequency). This variant has not been reported in the literature in individuals affected with BRCA2-related conditions. ClinVar contains an entry for this variant (Variation ID: 1450273). Advanced modeling of protein sequence and biophysical properties (such as structural, functional, and spatial information, amino acid conservation, physicochemical variation, residue mobility, and thermodynamic stability) performed at Invitae indicates that this missense variant is not expected to disrupt BRCA2 protein function with a negative predictive value of 95%. In summary, the available evidence is currently insufficient to determine the role of this variant in disease. Therefore, it has been classified as a Variant of Uncertain Significance.